The following is an entry in ClinVar:

ClinVar aggregate classification (germline): Benign/Likely benign. Review status: criteria provided, multiple submitters, no conflicts (2 of 4 stars). 6 submissions from 6 submitters: Benign (4); Likely benign (1). 1 of the submissions does not count toward it. Last evaluated 2026-02-04.

Conditions:
MHC class II deficiency. Also called: Bare lymphocyte syndrome 2; BLS, TYPE II. Identifiers: Orphanet 572, MedGen C5447452, MONDO:0008855.

Allele frequency attached by ClinVar (database versions not stated): 1000 Genomes Project 30x 0.14803; ESP Exome Variant Server 0.03055; 1000 Genomes Project 0.14517; TOPMed 0.09412; gnomAD 0.06359 and 0.06881.
gnomAD v4.1: 69,377 of 1,614,036 alleles (4.3%); highest among the groups gnomAD compares: Admixed American, 42%; 9,501 homozygotes.

Submissions (6):

Labcorp Genetics (formerly Invitae), Labcorp
Classification: Benign for MHC class II deficiency. Last evaluated: 2026-02-04. Review status: criteria provided, single submitter. Criteria: Invitae Variant Classification Sherloc (09022015). Collection method: clinical testing. Allele origin: germline.

Women's Health and Genetics/Laboratory Corporation of America, LabCorp
Classification: Likely benign. Last evaluated: 2026-01-21. Review status: criteria provided, single submitter. Criteria: LabCorp Variant Classification Summary - May 2015. Collection method: clinical testing. Allele origin: germline.

Mayo Clinic Laboratories, Mayo Clinic
Classification: Benign. Last evaluated: 2018-05-25. Review status: criteria provided, single submitter. Criteria: ACMG Guidelines, 2015. Collection method: clinical testing. Allele origin: germline. Observed: 21 variant alleles.

Illumina Laboratory Services, Illumina
Classification: Benign for MHC class II deficiency 1. Last evaluated: 2018-01-13. Review status: criteria provided, single submitter. Criteria: ICSL Variant Classification Criteria 13 December 2019. Collection method: clinical testing. Allele origin: germline.
Comment: This variant was observed in the ICSL laboratory as part of a predisposition screen in an ostensibly healthy population. It had not been previously curated by ICSL or reported in the Human Gene Mutation Database (HGMD: prior to June 1st, 2018), and was therefore a candidate for classification through an automated scoring system. Utilizing variant allele frequency, disease prevalence and penetrance estimates, and inheritance mode, an automated score was calculated to assess if this variant is too frequent to cause the disease. Based on the score and internal cut-off values, a variant classified as benign is not then subjected to further curation. The score for this variant resulted in a classification of benign for this disease.

Breakthrough Genomics
Classification: Benign. Review status: criteria provided, single submitter. Criteria: ACMG Guidelines, 2015. Collection method: not provided. Allele origin: germline. Inheritance: Autosomal recessive inheritance. Affected: yes.

Natera, Inc.
Classification: Benign for Bare lymphocyte syndrome type II. Last evaluated: 2019-11-21. Review status: no assertion criteria provided. Collection method: clinical testing. Allele origin: germline. Not counted in ClinVar's aggregate classification.

NM_000246.4(CIITA):c.133C>G (p.Leu45Val)

Gene: CIITA (class II major histocompatibility complex transactivator; plus strand). Cytogenetic location: 16p13.13.
Variant type: single nucleotide variant.
Coding change: c.133C>G on transcript NM_000246.4 (MANE Select); coding-DNA position 133, C replaced by G.
Protein change: p.Leu45Val; replaces leucine 45 with valine.
Molecular consequence: missense variant. On other transcripts: non-coding transcript variant (1).
Genome position (GRCh38, 1-based): chr16:10,895,362, C>G. VCF-style: chr16-10895362-C-G. GRCh37 (hg19) VCF-style: chr16-10989219-C-G.
Other names: p.Leu45Val; c.133C>G, p.Leu45Val (NM_001286402.1, NM_001286403.2, NM_001379330.1 and 3 more transcripts); c.61C>G, p.Leu21Val (NM_001379334.1); short protein forms L45V, L21V.
Identifiers: ClinVar variation 317674 (VCV000317674.20), dbSNP rs2229317, ClinGen allele CA7899575.